The following is an entry in ClinVar:

NM_025265.4(TSEN2):c.403C>T (p.Pro135Ser)

Gene: TSEN2 (tRNA splicing endonuclease subunit 2; plus strand). Cytogenetic location: 3p25.2.
Variant type: single nucleotide variant.
Coding change: c.403C>T on transcript NM_025265.4 (MANE Select); coding-DNA position 403, C replaced by T.
Protein change: p.Pro135Ser; replaces proline 135 with serine.
Molecular consequence: missense variant. On other transcripts: non-coding transcript variant (1).
Genome position (GRCh38, 1-based): chr3:12,503,356, C>T. VCF-style: chr3-12503356-C-T. GRCh37 (hg19) VCF-style: chr3-12544855-C-T.
Other names: c.403C>T, p.Pro135Ser (NM_001145392.2, NM_001145393.3, NM_001145394.2 and 3 more transcripts); short protein forms P135S.
Identifiers: ClinVar variation 1416823 (VCV001416823.6), dbSNP rs780584726, ClinGen allele CA2258506.

ClinVar aggregate classification (germline): Uncertain significance (1 of 4 stars; one submission).

Allele frequency attached by ClinVar (database versions not stated): gnomAD exomes below 0.00001; ExAC 0.00001.
gnomAD v4.1: 2 of 1,614,194 alleles (0.00012%); highest among the groups gnomAD compares: Non-Finnish European, 0.00017%; no homozygotes.

Submission:

Labcorp Genetics (formerly Invitae), Labcorp
Classification: Uncertain significance. Last evaluated: 2022-06-28. Review status: criteria provided, single submitter. Criteria: Invitae Variant Classification Sherloc (09022015). Collection method: clinical testing. Allele origin: germline.
Comment: This sequence change replaces proline, which is neutral and non-polar, with serine, which is neutral and polar, at codon 135 of the TSEN2 protein (p.Pro135Ser). In summary, the available evidence is currently insufficient to determine the role of this variant in disease. Therefore, it has been classified as a Variant of Uncertain Significance. Algorithms developed to predict the effect of missense changes on protein structure and function are either unavailable or do not agree on the potential impact of this missense change (SIFT: "Tolerated"; PolyPhen-2: "Possibly Damaging"; Align-GVGD: "Class C0"). This variant has not been reported in the literature in individuals affected with TSEN2-related conditions. This variant is present in population databases (rs780584726, gnomAD 0.0009%).